The following is an entry in ClinVar:

NM_016227.4(SUCO):c.31T>C (p.Ser11Pro)

Gene: SUCO (SUN domain containing ossification factor; plus strand). Cytogenetic location: 1q24.3.
Variant type: single nucleotide variant.
Coding change: c.31T>C on transcript NM_016227.4; coding-DNA position 31, T replaced by C.
Protein change: p.Ser11Pro; replaces serine 11 with proline.
Molecular consequence: missense variant.
Genome position (GRCh38, 1-based): chr1:172,532,503, T>C. VCF-style: chr1-172532503-T-C. GRCh37 (hg19) VCF-style: chr1-172501643-T-C.
Other names: short protein forms S11P.
Identifiers: ClinVar variation 3059072 (VCV003059072.2), dbSNP rs2239816, ClinGen allele CA1246314.

ClinVar aggregate classification (germline): Benign (0 of 4 stars; one submission).

Conditions:
SUCO-related disorder. Also called: SUCO-related condition.

Allele frequency attached by ClinVar (database versions not stated): 1000 Genomes Project 0.24980; gnomAD 0.23311; ESP Exome Variant Server 0.23462; gnomAD exomes 0.24717; TOPMed 0.23325; 1000 Genomes Project 30x 0.24797; ExAC 0.25802.
gnomAD v4.1: 397,276 of 1,612,794 alleles (25%); highest among the groups gnomAD compares: South Asian, 37%; 50,697 homozygotes.

Submission:

PreventionGenetics, part of Exact Sciences
Classification: Benign for SUCO-related condition. Last evaluated: 2019-10-31. Review status: no assertion criteria provided. Collection method: clinical testing. Allele origin: germline.
Comment: This variant is classified as benign based on ACMG/AMP sequence variant interpretation guidelines (Richards et al. 2015 PMID: 25741868, with internal and published modifications).